The following is an entry in ClinVar:

ClinVar aggregate classification (germline): Uncertain significance. Review status: criteria provided, multiple submitters, no conflicts (2 of 4 stars). 6 submissions from 6 submitters: Uncertain significance (6). Last evaluated 2025-09-14.

Conditions:
Inborn genetic diseases. Identifiers: MedGen C0950123, MeSH D030342.
Wolfram syndrome 1 (WFS1). Identifiers: Orphanet 3463, MedGen C4551693, MONDO:0009101, OMIM 222300.
Type 2 diabetes mellitus. Also called: Type II diabetes mellitus. Identifiers: MedGen C0011860, MeSH D003924, MONDO:0005148, OMIM 125853, HP:0005978.
Autosomal dominant nonsyndromic hearing loss 6 (LFSNHL). Also called: DEAFNESS, AUTOSOMAL DOMINANT 6; DEAFNESS, AUTOSOMAL DOMINANT 14; DEAFNESS, AUTOSOMAL DOMINANT 38; Autosomal dominant nonsyndromic deafness 6. Identifiers: Orphanet 90635, MedGen C1833021, MONDO:0010963, OMIM 600965.
Wolfram-like syndrome. Also called: HEARING LOSS, PROGRESSIVE, WITH OPTIC ATROPHY AND/OR IMPAIRED GLUCOSE REGULATION. Identifiers: Orphanet 411590, MedGen C3280358, MONDO:0013673, OMIM 614296.
Cataract 41 (CTRCT41). Also called: CATARACT 41, CONGENITAL NUCLEAR TYPE. Identifiers: Orphanet 91492, Orphanet 98991, Orphanet 98992, Orphanet 98995, MedGen C3805412, MONDO:0007287, OMIM 116400.

Allele frequency attached by ClinVar (database versions not stated): gnomAD 0.00008; 1000 Genomes Project 30x 0.00031; gnomAD exomes 0.00002; ExAC 0.00003; 1000 Genomes Project 0.00020; TOPMed 0.00013.
gnomAD v4.1: 30 of 1,612,916 alleles (0.0019%); highest among the groups gnomAD compares: Admixed American, 0.023%; no homozygotes.

Submissions (6):

Labcorp Genetics (formerly Invitae), Labcorp
Classification: Uncertain significance. Last evaluated: 2025-09-14. Review status: criteria provided, single submitter. Criteria: Invitae Variant Classification Sherloc (09022015). Collection method: clinical testing. Allele origin: germline.
Comment: This sequence change replaces isoleucine, which is neutral and non-polar, with valine, which is neutral and non-polar, at codon 712 of the WFS1 protein (p.Ile712Val). This variant is present in population databases (rs574657627, gnomAD 0.01%). This variant has not been reported in the literature in individuals affected with WFS1-related conditions. ClinVar contains an entry for this variant (Variation ID: 999148). Invitae Evidence Modeling of protein sequence and biophysical properties (such as structural, functional, and spatial information, amino acid conservation, physicochemical variation, residue mobility, and thermodynamic stability) indicates that this missense variant is not expected to disrupt WFS1 protein function with a negative predictive value of 95%. In summary, the available evidence is currently insufficient to determine the role of this variant in disease. Therefore, it has been classified as a Variant of Uncertain Significance.

GeneDx
Classification: Uncertain significance. Last evaluated: 2024-08-22. Review status: criteria provided, single submitter. Criteria: GeneDx Variant Classification Process June 2021. Collection method: clinical testing. Allele origin: germline.
Comment: In silico analysis indicates that this missense variant does not alter protein structure/function; Has not been previously published as pathogenic or benign to our knowledge

Fulgent Genetics
Classification: Uncertain significance for Cataract 41; Type 2 diabetes mellitus; Wolfram syndrome 1; Autosomal dominant nonsyndromic hearing loss 6; Wolfram-like syndrome. Last evaluated: 2024-04-01. Review status: criteria provided, single submitter. Criteria: ACMG Guidelines, 2015. Collection method: clinical testing. Allele origin: germline.

Blueprint Genetics
Classification: Uncertain significance. Last evaluated: 2021-12-14. Review status: criteria provided, single submitter. Criteria: ACMG Guidelines, 2015. Collection method: clinical testing. Allele origin: germline.

Ambry Genetics
Classification: Uncertain significance for Inborn genetic diseases. Last evaluated: 2021-05-21. Review status: criteria provided, single submitter. Criteria: Ambry Variant Classification Scheme 2023. Collection method: clinical testing. Allele origin: germline.

Clinical Genomics, Uppaluri K&H Personalized Medicine Clinic
Classification: Uncertain significance for Wolfram syndrome 1. Review status: criteria provided, single submitter. Criteria: K & H Uppaluri Personalized Medicine Clinic Variant Classification & Assertion Criteria_Updated V.1. Collection method: research. Allele origin: unknown. Inheritance: Autosomal recessive inheritance.
Comment: Potent mutations in WFS1 gene are associated with Wolfram's syndrome, an autosomal recessive condition, which cause diabetes mellitus, diabetes insipidus, deafness and optic atrophy. However no sufficient evidence is found to ascertain the role of this particular variant rs574657627 in Wolfram's syndrome yet.

Literature cited by the submitters: PubMed 20738327 (cited by Clinical Genomics, Uppaluri K&H Personalized Medicine Clinic); PubMed 33879153 (cited by Clinical Genomics, Uppaluri K&H Personalized Medicine Clinic); PubMed 12955714 (cited by Clinical Genomics, Uppaluri K&H Personalized Medicine Clinic); PubMed 18060660 (cited by Clinical Genomics, Uppaluri K&H Personalized Medicine Clinic); PubMed 20301750 (cited by Clinical Genomics, Uppaluri K&H Personalized Medicine Clinic); PubMed 17603484 (cited by Clinical Genomics, Uppaluri K&H Personalized Medicine Clinic).

NM_006005.3(WFS1):c.2134A>G (p.Ile712Val)

Gene: WFS1 (wolframin ER transmembrane glycoprotein; plus strand). Cytogenetic location: 4p16.1.
Variant type: single nucleotide variant.
Coding change: c.2134A>G on transcript NM_006005.3 (MANE Select); coding-DNA position 2134, A replaced by G.
Protein change: p.Ile712Val; replaces isoleucine 712 with valine.
Molecular consequence: missense variant.
Genome position (GRCh38, 1-based): chr4:6,301,929, A>G. VCF-style: chr4-6301929-A-G. GRCh37 (hg19) VCF-style: chr4-6303656-A-G.
Other names: c.2134A>G, p.Ile712Val (NM_001145853.1); short protein forms I712V.
Identifiers: ClinVar variation 999148 (VCV000999148.14), dbSNP rs574657627, ClinGen allele CA2839611.